The following is an entry in ClinVar:

ClinVar aggregate classification (germline): Uncertain significance. Review status: criteria provided, single submitter (1 of 4 stars). 2 submissions from 2 submitters: Uncertain significance (1). 1 of the submissions does not count toward it. Last evaluated 2021-08-27.

Conditions:
Duchenne muscular dystrophy (DMD). Also called: Duchenne Muscular Dystrophy (DMD); MUSCULAR DYSTROPHY, PSEUDOHYPERTROPHIC PROGRESSIVE, DUCHENNE TYPE. Identifiers: Orphanet 98896, MedGen C0013264, MONDO:0010679, OMIM 310200.
Dystrophin deficiency.
Becker muscular dystrophy (BMD). Also called: MUSCULAR DYSTROPHY, PSEUDOHYPERTROPHIC PROGRESSIVE, BECKER TYPE; Becker Muscular Dystrophy (BMD). Identifiers: Orphanet 98895, MedGen C0917713, MONDO:0010311, OMIM 300376.
Cardiomyopathy (CMYO). Also called: Cardiomyopathies. Identifiers: Orphanet 167848, MedGen C0878544, MONDO:0004994, HP:0001638. Inheritance: Various modes of inheritance.

Allele frequency attached by ClinVar (database versions not stated): gnomAD 0.00001.
gnomAD v4.1: 1 of 1,204,949 alleles (0.000083%); highest among the groups gnomAD compares: Admixed American, 0.0022%; no homozygotes.

Submissions (2):

Labcorp Genetics (formerly Invitae), Labcorp
Classification: Uncertain significance for Duchenne muscular dystrophy. Last evaluated: 2021-08-27. Review status: criteria provided, single submitter. Criteria: Invitae Variant Classification Sherloc (09022015). Collection method: clinical testing. Allele origin: germline.
Comment: This sequence change replaces glutamine with arginine at codon 1163 of the DMD protein (p.Gln1163Arg). The glutamine residue is highly conserved and there is a small physicochemical difference between glutamine and arginine. This variant is not present in population databases (ExAC no frequency). This variant has not been reported in the literature in individuals affected with DMD-related conditions. Algorithms developed to predict the effect of missense changes on protein structure and function output the following: SIFT: "Tolerated"; PolyPhen-2: "Probably Damaging"; Align-GVGD: "Class C0". The arginine amino acid residue is found in multiple mammalian species, which suggests that this missense change does not adversely affect protein function. In summary, the available evidence is currently insufficient to determine the role of this variant in disease. Therefore, it has been classified as a Variant of Uncertain Significance.

Natera, Inc.
Classification: Uncertain significance for Becker muscular dystrophy; Cardiomyopathy; Duchenne muscular dystrophy; Dystrophin deficiency. Last evaluated: 2021-05-21. Review status: no assertion criteria provided. Collection method: clinical testing. Allele origin: germline. Not counted in ClinVar's aggregate classification.

NM_004006.3(DMD):c.3488A>G (p.Gln1163Arg)

Gene: DMD (dystrophin; minus strand). Cytogenetic location: Xp21.1.
Variant type: single nucleotide variant.
Coding change: c.3488A>G on transcript NM_004006.3 (MANE Select); coding-DNA position 3488, A replaced by G.
Protein change: p.Gln1163Arg; replaces glutamine 1163 with arginine.
Molecular consequence: missense variant.
Genome position (GRCh38, 1-based): chrX:32,454,777, T>C on the plus strand (A>G on the coding strand, the complement: DMD is on the minus strand). VCF-style: chrX-32454777-T-C. GRCh37 (hg19) VCF-style: chrX-32472894-T-C.
Other names: c.3464A>G, p.Gln1155Arg (NM_000109.4); c.3476A>G, p.Gln1159Arg (NM_004009.3); c.3119A>G, p.Gln1040Arg (NM_004010.3); short protein forms Q1040R, Q1159R, Q1155R, Q1163R.
Identifiers: ClinVar variation 841964 (VCV000841964.5), dbSNP rs1603633866, ClinGen allele CA412663291.
Genomic context (GRCh38, chrX:32,454,777, plus strand): 5'-CTCTCAAGATACTCTTCTTCAGCTTGTGTCATCCATTCGTGCATCTCTGATAGATCTTTC[T>C]GGAGGCTTACAGTTTTCTCCAAACCTCCCTTCAAGGCCTCCTTTCTGGCATAGACCTTCC-3'
Protein context (NP_003997.2, residues 1153-1173): KGGLEKTVSL[Gln1163Arg]KDLSEMHEWM